The following is an entry in ClinVar:

NM_000051.4(ATM):c.8151G>A (p.Lys2717=)

Genes: ATM (ATM serine/threonine kinase; plus strand), C11orf65 (chromosome 11 open reading frame 65; minus strand). Cytogenetic location: 11q22.3.
Variant type: single nucleotide variant.
Coding change: c.8151G>A on transcript NM_000051.4 (MANE Select); coding-DNA position 8151, G replaced by A.
Protein change: p.Lys2717=; no amino-acid change (lysine 2717 retained).
Molecular consequence: synonymous variant. On other transcripts: intron variant (2).
Genome position (GRCh38, 1-based): chr11:108,335,109, G>A. VCF-style: chr11-108335109-G-A. GRCh37 (hg19) VCF-style: chr11-108205836-G-A.
Other names: c.8151G>A, p.Lys2717= (NM_001351834.2); c.641-26038C>T (NM_001330368.2); c.*38+111C>T (NM_001351110.2).
Identifiers: ClinVar variation 827482 (VCV000827482.16), dbSNP rs1591192550, ClinGen allele CA476677778.

ClinVar aggregate classification (germline): Conflicting classifications of pathogenicity. Review status: criteria provided, conflicting classifications (1 of 4 stars). 3 submissions from 3 submitters: Pathogenic (1); Likely pathogenic (1); Uncertain significance (1). Last evaluated 2025-03-23.

Conditions:
Hereditary cancer-predisposing syndrome. Also called: Tumor predisposition; Neoplastic Syndromes, Hereditary; Hereditary Cancer Syndrome; Hereditary neoplastic syndrome. Identifiers: Orphanet 140162, MedGen C0027672, MeSH D009386, MONDO:0015356.
Ataxia-telangiectasia syndrome (AT). Also called: ATAXIA-TELANGIECTASIA, COMPLEMENTATION GROUP A; ATAXIA-TELANGIECTASIA, FRESNO VARIANT; Ataxia-telangiectasia; Ataxia-telangiectasia, complementation group D; AT, COMPLEMENTATION GROUP C; Ataxia-telangiectasia, complementation group E. Identifiers: Orphanet 100, MedGen C0004135, MONDO:0008840, OMIM 208900.

Allele frequency attached by ClinVar (database versions not stated): gnomAD exomes below 0.00001; TOPMed below 0.00001.
gnomAD v4.1: 3 of 1,613,980 alleles (0.00019%); highest among the groups gnomAD compares: South Asian, 0.0011%; no homozygotes.

Submissions (3):

Labcorp Genetics (formerly Invitae), Labcorp
Classification: Pathogenic for Ataxia-telangiectasia syndrome. Last evaluated: 2025-03-23. Review status: criteria provided, single submitter. Criteria: Invitae Variant Classification Sherloc (09022015). Collection method: clinical testing. Allele origin: germline.
Comment: This sequence change affects codon 2717 of the ATM mRNA. It is a 'silent' change, meaning that it does not change the encoded amino acid sequence of the ATM protein. RNA analysis indicates that this variant induces altered splicing and likely results in a shortened protein product. This variant is not present in population databases (gnomAD no frequency). This variant has not been reported in the literature in individuals affected with ATM-related conditions. ClinVar contains an entry for this variant (Variation ID: 827482). Variants that disrupt the consensus splice site are a relatively common cause of aberrant splicing (PMID: 17576681, 9536098). Studies have shown that this variant results in skipping of exon 55, but is expected to preserve the integrity of the reading-frame (internal data). This variant disrupts a region of the ATM protein in which other variant(s) (p.Asp2708Asn) have been determined to be pathogenic (PMID: 16941484, 21665257, 22071889, 23632773). This suggests that this is a clinically significant region of the protein, and that variants that disrupt it are likely to be disease-causing. For these reasons, this variant has been classified as Pathogenic.

Ambry Genetics
Classification: Likely pathogenic for Hereditary cancer-predisposing syndrome. Last evaluated: 2023-05-18. Review status: criteria provided, single submitter. Criteria: Ambry Variant Classification Scheme 2023. Collection method: clinical testing. Allele origin: germline.
Comment: The c.8151G>A variant (also known as p.K2717K), located in coding exon 54 of the ATM gene, results from a G to A substitution at nucleotide position 8151. This nucleotide substitution does not change the amino acid at codon 2717. However, this change occurs in the last base pair of coding exon 54, which makes it likely to have some effect on normal mRNA splicing. This nucleotide position is highly conserved in available vertebrate species. In silico splice site analysis for this alteration is inconclusive. RNA studies have demonstrated that this alteration results in abnormal splicing in the set of samples tested (Ambry internal data). This variant is considered to be rare based on population cohorts in the Genome Aggregation Database (gnomAD). Based on the majority of available evidence to date, this variant is likely to be pathogenic.

Color Diagnostics, LLC DBA Color Health
Classification: Uncertain significance for Hereditary cancer-predisposing syndrome. Last evaluated: 2019-06-19. Review status: criteria provided, single submitter. Criteria: ACMG Guidelines, 2015. Collection method: clinical testing. Allele origin: germline.

Literature cited by the submitters: PubMed 17576681 (cited by Labcorp Genetics (formerly Invitae), Labcorp); PubMed 9536098 (cited by Labcorp Genetics (formerly Invitae), Labcorp); PubMed 16941484 (cited by Labcorp Genetics (formerly Invitae), Labcorp); PubMed 21665257 (cited by Labcorp Genetics (formerly Invitae), Labcorp); PubMed 22071889 (cited by Labcorp Genetics (formerly Invitae), Labcorp); PubMed 23632773 (cited by Labcorp Genetics (formerly Invitae), Labcorp).